The following is an entry in ClinVar:

ClinVar aggregate classification (germline): Uncertain significance (1 of 4 stars; one submission).

Submission:

GeneDx
Classification: Uncertain significance. Last evaluated: 2024-04-21. Review status: criteria provided, single submitter. Criteria: GeneDx Variant Classification Process June 2021. Collection method: clinical testing. Allele origin: germline. Affected: yes.
Comment: Not observed at significant frequency in large population cohorts (gnomAD); In silico analysis supports that this missense variant has a deleterious effect on protein structure/function; Has not been previously published as pathogenic or benign to our knowledge

NM_001366521.1(ATP2B1):c.2285T>G (p.Leu762Arg)

Gene: ATP2B1 (ATPase plasma membrane Ca2+ transporting 1; minus strand). Cytogenetic location: 12q21.33.
Variant type: single nucleotide variant.
Coding change: c.2285T>G on transcript NM_001366521.1 (MANE Select); coding-DNA position 2285, T replaced by G.
Protein change: p.Leu762Arg; replaces leucine 762 with arginine.
Molecular consequence: missense variant. On other transcripts: non-coding transcript variant (3).
Genome position (GRCh38, 1-based): chr12:89,610,471, A>C on the plus strand (T>G on the coding strand, the complement: ATP2B1 is on the minus strand). VCF-style: chr12-89610471-A-C. GRCh37 (hg19) VCF-style: chr12-90004248-A-C.
Other names: c.2285T>G, p.Leu762Arg (NM_001001323.2, NM_001366520.1, NM_001366522.1 and 12 more transcripts); c.2087T>G, p.Leu696Arg (NM_001366530.1, NM_001413053.1); c.1724T>G, p.Leu575Arg (NM_001366531.1, NM_001366532.1, NM_001413058.1 and 2 more transcripts); c.2246T>G, p.Leu749Arg (NM_001413048.1); c.2144T>G, p.Leu715Arg (NM_001413051.1, NM_001413052.1, NM_001413055.1); c.2042T>G, p.Leu681Arg (NM_001413054.1); c.2030T>G, p.Leu677Arg (NM_001413056.1); c.1832T>G, p.Leu611Arg (NM_001413057.1); short protein forms L575R, L611R, L677R, L681R, L696R, L715R, L749R, L762R.
Identifiers: ClinVar variation 3372828 (VCV003372828.1).